The following is an entry in ClinVar:

NM_032888.4(COL27A1):c.5237G>A (p.Arg1746Gln)

Gene: COL27A1 (collagen type XXVII alpha 1 chain; plus strand). Cytogenetic location: 9q32.
Variant type: single nucleotide variant.
Coding change: c.5237G>A on transcript NM_032888.4 (MANE Select); coding-DNA position 5237, G replaced by A.
Protein change: p.Arg1746Gln; replaces arginine 1746 with glutamine.
Molecular consequence: missense variant.
Genome position (GRCh38, 1-based): chr9:114,309,279, G>A. VCF-style: chr9-114309279-G-A. GRCh37 (hg19) VCF-style: chr9-117071559-G-A.
Other names: short protein forms R1746Q.
Identifiers: ClinVar variation 3709650 (VCV003709650.2).
Genomic context (GRCh38, chr9:114,309,279, plus strand): 5'-GGGGGCAGCCTGAGCCGCTCACTGCCGTTGCTTCTCTATAGGTCGAGTTTGCCATCAGCC[G>A]GGTCCAGATGAATTTCCTGCACCTGCTAAGCTCCGAGGTGACCCAGCACATCACCATCCA-3'
Protein context (NP_116277.2, residues 1736-1756): TASKVEFAIS[Arg1746Gln]VQMNFLHLLS

ClinVar aggregate classification (germline): Uncertain significance (1 of 4 stars; one submission).

gnomAD v4.1: 16 of 1,614,106 alleles (0.00099%); highest among the groups gnomAD compares: South Asian, 0.0044%; no homozygotes.

Submission:

Labcorp Genetics (formerly Invitae), Labcorp
Classification: Uncertain significance. Last evaluated: 2024-11-05. Review status: criteria provided, single submitter. Criteria: Invitae Variant Classification Sherloc (09022015). Collection method: clinical testing. Allele origin: germline.
Comment: This sequence change replaces arginine, which is basic and polar, with glutamine, which is neutral and polar, at codon 1746 of the COL27A1 protein (p.Arg1746Gln). This variant is present in population databases (rs766702547, gnomAD 0.003%). This variant has not been reported in the literature in individuals affected with COL27A1-related conditions. Invitae Evidence Modeling of protein sequence and biophysical properties (such as structural, functional, and spatial information, amino acid conservation, physicochemical variation, residue mobility, and thermodynamic stability) indicates that this missense variant is not expected to disrupt COL27A1 protein function with a negative predictive value of 80%. In summary, the available evidence is currently insufficient to determine the role of this variant in disease. Therefore, it has been classified as a Variant of Uncertain Significance.